The following is an entry in ClinVar:

NM_004304.5(ALK):c.4554_4555del (p.Lys1518_Asn1519insTer)

Gene: ALK (ALK receptor tyrosine kinase; minus strand). Cytogenetic location: 2p23.2.
Variant type: Deletion.
Coding change: c.4554_4555del on transcript NM_004304.5 (MANE Select); coding-DNA positions 4554 to 4555, 2 bases deleted (GA; older notation c.4554_4555delGA).
Protein change: p.Lys1518_Asn1519insTer.
Molecular consequence: frameshift variant.
Genome position (GRCh38, 1-based): chr2:29,193,532-29,193,533, TC deleted on the plus strand (GA on the coding strand, the reverse complement: ALK is on the minus strand); deleting any 2 consecutive bases within chr2:29,193,532-29,193,534 gives the same sequence; the c. name uses the placement nearest the transcript's 3' end. VCF-style (leftmost placement, unchanged base first): chr2-29193531-TTC-T. GRCh37 (hg19) VCF-style: chr2-29416397-TTC-T.
Other names: c.1350_1351del, p.Lys450_Asn451insTer (NM_001353765.2).
Identifiers: ClinVar variation 4824808 (VCV004824808.2).

ClinVar aggregate classification (germline): Uncertain significance (1 of 4 stars; one submission).

Conditions:
Hereditary cancer-predisposing syndrome. Also called: Neoplastic Syndromes, Hereditary; Tumor predisposition; Hereditary Cancer Syndrome; Hereditary neoplastic syndrome. Identifiers: Orphanet 140162, MedGen C0027672, MeSH D009386, MONDO:0015356.

Submission:

Ambry Genetics
Classification: Uncertain significance for Hereditary cancer-predisposing syndrome. Last evaluated: 2026-07-31. Review status: criteria provided, single submitter. Criteria: Ambry Variant Classification Scheme 2023. Collection method: clinical testing. Allele origin: germline.
Comment: The c.4554_4555delGA variant, located in coding exon 29 of the ALK gene, results from a deletion of two nucleotides at nucleotide positions 4554 to 4555, causing a translational frameshift with a predicted alternate stop codon (p.N1519*). This variant occurs at the 3' terminus of the gene and is not expected to trigger nonsense-mediated mRNA decay. Based on the available evidence, the clinical significance of this variant remains unclear.